The following is an entry in ClinVar:

NM_032043.3(BRIP1):c.228A>G (p.Val76=)

Gene: BRIP1 (BRCA1 interacting DNA helicase 1; minus strand). Cytogenetic location: 17q23.2.
Variant type: single nucleotide variant.
Coding change: c.228A>G on transcript NM_032043.3 (MANE Select); coding-DNA position 228, A replaced by G.
Protein change: p.Val76=; no amino-acid change (valine 76 retained).
Molecular consequence: synonymous variant.
Genome position (GRCh38, 1-based): chr17:61,857,209, T>C on the plus strand (A>G on the coding strand, the complement: BRIP1 is on the minus strand). VCF-style: chr17-61857209-T-C. GRCh37 (hg19) VCF-style: chr17-59934570-T-C.
Identifiers: ClinVar variation 1152116 (VCV001152116.13), dbSNP rs2078910583, ClinGen allele CA501151431.

ClinVar aggregate classification (germline): Benign/Likely benign. Review status: criteria provided, multiple submitters, no conflicts (2 of 4 stars). 3 submissions from 3 submitters: Benign (1); Likely benign (2). Last evaluated 2024-08-09.

Conditions:
Hereditary cancer-predisposing syndrome. Also called: Hereditary Cancer Syndrome; Hereditary neoplastic syndrome; Neoplastic Syndromes, Hereditary; Tumor predisposition. Identifiers: Orphanet 140162, MedGen C0027672, MeSH D009386, MONDO:0015356.
Familial cancer of breast. Also called: BREAST CANCER, FAMILIAL; Hereditary breast cancer; hereditary breast carcinoma. Identifiers: Orphanet 227535, MedGen C0346153, MONDO:0016419, OMIM 114480. Disease mechanism: loss of function.
Fanconi anemia complementation group J. Also called: BRIP1-Related Fanconi Anemia. Identifiers: Orphanet 84, MedGen C1836860, MONDO:0012187, OMIM 609054.

Allele frequency attached by ClinVar (database versions not stated): TOPMed below 0.00001.
gnomAD v4.1: 1 of 1,613,936 alleles (0.000062%); no homozygotes.

Submissions (3):

Myriad Genetics, Inc.
Classification: Benign for Familial cancer of breast. Last evaluated: 2024-08-09. Review status: criteria provided, single submitter. Criteria: Myriad Autosomal Dominant, Autosomal Recessive and X-Linked Classification Criteria (2023). Collection method: clinical testing. Allele origin: unknown.
Comment: This variant is considered benign. This variant is a silent/synonymous amino acid change and it is not expected to impact splicing.

Labcorp Genetics (formerly Invitae), Labcorp
Classification: Likely benign for Familial cancer of breast; Fanconi anemia complementation group J. Last evaluated: 2023-01-10. Review status: criteria provided, single submitter. Criteria: Invitae Variant Classification Sherloc (09022015). Collection method: clinical testing. Allele origin: germline.

Ambry Genetics
Classification: Likely benign for Hereditary cancer-predisposing syndrome. Last evaluated: 2022-05-04. Review status: criteria provided, single submitter. Criteria: Ambry Variant Classification Scheme 2023. Collection method: clinical testing. Allele origin: germline.